The following is an entry in ClinVar:

ClinVar aggregate classification (germline): Conflicting classifications of pathogenicity. Review status: criteria provided, conflicting classifications (1 of 4 stars). 2 submissions from 2 submitters: Uncertain significance (1); Likely benign (1). Last evaluated 2023-12-06.

Conditions:
Hypertrophic cardiomyopathy 19. Also called: Familial hypertrophic cardiomyopathy 19. Identifiers: MedGen CN077603, MONDO:0013476.

Allele frequency attached by ClinVar (database versions not stated): gnomAD exomes below 0.00001 and 0.00001; ExAC 0.00002.
gnomAD v4.1: 7 of 1,614,142 alleles (0.00043%); highest among the groups gnomAD compares: South Asian, 0.0077%; no homozygotes.

Submissions (2):

Labcorp Genetics (formerly Invitae), Labcorp
Classification: Uncertain significance for Hypertrophic cardiomyopathy 19. Last evaluated: 2023-12-06. Review status: criteria provided, single submitter. Criteria: Invitae Variant Classification Sherloc (09022015). Collection method: clinical testing. Allele origin: germline.
Comment: This sequence change replaces glutamic acid, which is acidic and polar, with lysine, which is basic and polar, at codon 100 of the CALR3 protein (p.Glu100Lys). This variant is present in population databases (rs766276146, gnomAD 0.01%). This variant has not been reported in the literature in individuals affected with CALR3-related conditions. ClinVar contains an entry for this variant (Variation ID: 1445216). Advanced modeling of protein sequence and biophysical properties (such as structural, functional, and spatial information, amino acid conservation, physicochemical variation, residue mobility, and thermodynamic stability) has been performed at Invitae for this missense variant, however the output from this modeling did not meet the statistical confidence thresholds required to predict the impact of this variant on CALR3 protein function. In summary, the available evidence is currently insufficient to determine the role of this variant in disease. Therefore, it has been classified as a Variant of Uncertain Significance.

Blueprint Genetics
Classification: Likely benign. Last evaluated: 2022-07-14. Review status: criteria provided, single submitter. Criteria: ACMG Guidelines, 2015. Collection method: clinical testing. Allele origin: germline.

NM_145046.5(CALR3):c.298G>A (p.Glu100Lys)

Gene: CALR3 (calreticulin 3; minus strand). Cytogenetic location: 19p13.11.
Variant type: single nucleotide variant.
Coding change: c.298G>A on transcript NM_145046.5 (MANE Select); coding-DNA position 298, G replaced by A.
Protein change: p.Glu100Lys; replaces glutamic acid 100 with lysine.
Molecular consequence: missense variant.
Genome position (GRCh38, 1-based): chr19:16,490,466, C>T on the plus strand (G>A on the coding strand, the complement: CALR3 is on the minus strand). VCF-style: chr19-16490466-C-T. GRCh37 (hg19) VCF-style: chr19-16601277-C-T.
Other names: short protein forms E100K.
Identifiers: ClinVar variation 1445216 (VCV001445216.7), dbSNP rs766276146, ClinGen allele CA9278450.